The following is an entry in ClinVar:

NM_002769.5(PRSS1):c.23C>A (p.Thr8Asn)

Genes: PRSS1 (serine protease 1; plus strand), TRB (T cell receptor beta locus; plus strand). Cytogenetic location: 7q34.
Variant type: single nucleotide variant.
Coding change: c.23C>A on transcript NM_002769.5 (MANE Select); coding-DNA position 23, C replaced by A.
Protein change: p.Thr8Asn; replaces threonine 8 with asparagine.
Molecular consequence: missense variant. On other transcripts: non-coding transcript variant (5).
Genome position (GRCh38, 1-based): chr7:142,749,507, C>A. VCF-style: chr7-142749507-C-A. GRCh37 (hg19) VCF-style: chr7-142457358-C-A.
Other names: short protein forms T8N.
Identifiers: ClinVar variation 4843159 (VCV004843159.1).

ClinVar aggregate classification (germline): Uncertain significance (1 of 4 stars; one submission).

Conditions:
Hereditary pancreatitis (PCTT). Also called: Hereditary chronic pancreatitis; PRSS1-Related Hereditary Pancreatitis. Identifiers: Orphanet 676, MedGen C0238339, MONDO:0008185, OMIM 167800.

Submission:

Ambry Genetics
Classification: Uncertain significance for Hereditary pancreatitis. Last evaluated: 2026-03-06. Review status: criteria provided, single submitter. Criteria: Ambry Variant Classification Scheme 2023. Collection method: clinical testing. Allele origin: germline.
Comment: The p.T8N variant (also known as c.23C>A), located in coding exon 1 of the PRSS1 gene, results from a C to A substitution at nucleotide position 23. The threonine at codon 8 is replaced by asparagine, an amino acid with similar properties. This amino acid position is poorly conserved in available vertebrate species. In addition, this alteration is predicted to be tolerated by in silico analysis. Based on the available evidence, the clinical significance of this variant remains unclear.